The following is an entry in ClinVar:

NM_000233.4(LHCGR):c.758C>T (p.Ser253Phe)

Genes: LHCGR (luteinizing hormone/choriogonadotropin receptor; minus strand), STON1-GTF2A1L (STON1-GTF2A1L readthrough; plus strand). Cytogenetic location: 2p16.3.
Variant type: single nucleotide variant.
Coding change: c.758C>T on transcript NM_000233.4 (MANE Select); coding-DNA position 758, C replaced by T.
Protein change: p.Ser253Phe; replaces serine 253 with phenylalanine.
Molecular consequence: missense variant. On other transcripts: intron variant (1).
Genome position (GRCh38, 1-based): chr2:48,698,723, G>A on the plus strand (C>T on the coding strand, the complement: LHCGR is on the minus strand). VCF-style: chr2-48698723-G-A. GRCh37 (hg19) VCF-style: chr2-48925862-G-A.
Other names: c.3441+27043G>A (NM_001198593.2); short protein forms S253F.
Identifiers: ClinVar variation 4780919 (VCV004780919.1).
Genomic context (GRCh38, chr2:48,698,723, plus strand): 5'-AACGTGGCCTCCAGGAGATTGACAAATGTTTCTCTTGATGGCAATTTTTTTAGAGAATAG[G>A]ATGACGTGGCAATTAGCCTCTGAATGGACTCTAGGCCATAGCTCGGCAGGGCCTGCAATT-3'
Protein context (NP_000224.2, residues 243-263): ESIQRLIATS[Ser253Phe]YSLKKLPSRE

ClinVar aggregate classification (germline): Uncertain significance (1 of 4 stars; one submission).

gnomAD v4.1: 2 of 1,614,010 alleles (0.00012%); no homozygotes.

Submission:

Labcorp Genetics (formerly Invitae), Labcorp
Classification: Uncertain significance. Last evaluated: 2025-07-06. Review status: criteria provided, single submitter. Criteria: Invitae Variant Classification Sherloc (09022015). Collection method: clinical testing. Allele origin: germline.
Comment: This sequence change replaces serine, which is neutral and polar, with phenylalanine, which is neutral and non-polar, at codon 253 of the LHCGR protein (p.Ser253Phe). This variant is present in population databases (no rsID available, gnomAD 0.008%). This variant has not been reported in the literature in individuals affected with LHCGR-related conditions. Invitae Evidence Modeling of protein sequence and biophysical properties (such as structural, functional, and spatial information, amino acid conservation, physicochemical variation, residue mobility, and thermodynamic stability) indicates that this missense variant is not expected to disrupt LHCGR protein function with a negative predictive value of 80%. In summary, the available evidence is currently insufficient to determine the role of this variant in disease. Therefore, it has been classified as a Variant of Uncertain Significance.